The following is an entry in ClinVar:

NM_000254.3(MTR):c.1636G>T (p.Gly546Ter)

Gene: MTR (5-methyltetrahydrofolate-homocysteine methyltransferase; plus strand). Cytogenetic location: 1q43.
Variant type: single nucleotide variant.
Coding change: c.1636G>T on transcript NM_000254.3 (MANE Select); coding-DNA position 1636, G replaced by T.
Protein change: p.Gly546Ter; replaces glycine 546 with a stop codon.
Molecular consequence: nonsense.
Genome position (GRCh38, 1-based): chr1:236,850,464, G>T. VCF-style: chr1-236850464-G-T. GRCh37 (hg19) VCF-style: chr1-237013764-G-T.
Other names: c.1636G>T, p.Gly546Ter (NM_001291939.1, NM_001410942.1); c.415G>T, p.Gly139Ter (NM_001291940.2); short protein forms G139*, G546*.
Identifiers: ClinVar variation 2697612 (VCV002697612.3), dbSNP rs2528160239, ClinGen allele CA345374115.

ClinVar aggregate classification (germline): Pathogenic (1 of 4 stars; one submission).

Conditions:
Methylcobalamin deficiency type cblG (HMAG). Also called: HOMOCYSTINURIA-MEGALOBLASTIC ANEMIA, cblG TYPE; HOMOCYSTINURIA-MEGALOBLASTIC ANEMIA DUE TO DEFECT IN COBALAMIN METABOLISM, cblG COMPLEMENTATION TYPE; Functional methionine synthase deficiency type cblG; HOMOCYSTINURIA-MEGALOBLASTIC ANEMIA, cblG COMPLEMENTATION TYPE. Identifiers: Orphanet 2170, Orphanet 622, MedGen C1855128, MONDO:0009609, OMIM 250940.

Submission:

Labcorp Genetics (formerly Invitae), Labcorp
Classification: Pathogenic for Methylcobalamin deficiency type cblG. Last evaluated: 2023-11-20. Review status: criteria provided, single submitter. Criteria: Invitae Variant Classification Sherloc (09022015). Collection method: clinical testing. Allele origin: germline.
Comment: This sequence change creates a premature translational stop signal (p.Gly546*) in the MTR gene. It is expected to result in an absent or disrupted protein product. Loss-of-function variants in MTR are known to be pathogenic (PMID: 9683607, 12068375). This variant is not present in population databases (gnomAD no frequency). This variant has not been reported in the literature in individuals affected with MTR-related conditions. For these reasons, this variant has been classified as Pathogenic.

Literature cited by the submitters: PubMed 9683607; PubMed 12068375.